The following is an entry in ClinVar:

ClinVar aggregate classification (germline): Uncertain significance (1 of 4 stars; one submission).

Conditions:
Cardiovascular phenotype. Identifiers: MedGen CN230736.

Submission:

Ambry Genetics
Classification: Uncertain significance for Cardiovascular phenotype. Last evaluated: 2026-09-05. Review status: criteria provided, single submitter. Criteria: Ambry Variant Classification Scheme 2023. Collection method: clinical testing. Allele origin: germline.
Comment: The p.T46S variant (also known as c.136A>T), located in coding exon 2 of the ENG gene, results from an A to T substitution at nucleotide position 136. The threonine at codon 46 is replaced by serine, an amino acid with similar properties. This amino acid position is conserved. In addition, this alteration is predicted to be tolerated by in silico analysis. Based on the available evidence, the clinical significance of this variant remains unclear.

NM_001114753.3(ENG):c.136A>T (p.Thr46Ser)

Gene: ENG (endoglin; minus strand). Cytogenetic location: 9q34.11.
Variant type: single nucleotide variant.
Coding change: c.136A>T on transcript NM_001114753.3 (MANE Select); coding-DNA position 136, A replaced by T.
Protein change: p.Thr46Ser; replaces threonine 46 with serine.
Molecular consequence: missense variant. On other transcripts: 5 prime UTR variant (1).
Genome position (GRCh38, 1-based): chr9:127,843,177, T>A on the plus strand (A>T on the coding strand, the complement: ENG is on the minus strand). VCF-style: chr9-127843177-T-A. GRCh37 (hg19) VCF-style: chr9-130605456-T-A.
Other names: c.136A>T, p.Thr46Ser (NM_000118.4, NM_001406715.1); c.-411A>T (NM_001278138.2); short protein forms T46S.
Identifiers: ClinVar variation 5035998 (VCV005035998.1).